The following is an entry in ClinVar:

ClinVar aggregate classification (germline): Benign (1 of 4 stars; one submission).

Conditions:
Cone-rod dystrophy 5 (CORD5). Identifiers: Orphanet 1872, MedGen C1832976, MONDO:0010969, OMIM 600977.

Allele frequency attached by ClinVar (database versions not stated): gnomAD 0.00004 and 0.00005; TOPMed 0.00006; 1000 Genomes Project 30x 0.00031; 1000 Genomes Project 0.00040.

Submission:

Illumina Laboratory Services, Illumina
Classification: Benign for Cone-rod dystrophy 5. Last evaluated: 2018-01-13. Review status: criteria provided, single submitter. Criteria: ICSL Variant Classification Criteria 13 December 2019. Collection method: clinical testing. Allele origin: germline.
Comment: This variant was observed in the ICSL laboratory as part of a predisposition screen in an ostensibly healthy population. It had not been previously curated by ICSL or reported in the Human Gene Mutation Database (HGMD: prior to June 1st, 2018), and was therefore a candidate for classification through an automated scoring system. Utilizing variant allele frequency, disease prevalence and penetrance estimates, and inheritance mode, an automated score was calculated to assess if this variant is too frequent to cause the disease. Based on the score and internal cut-off values, a variant classified as benign is not then subjected to further curation. The score for this variant resulted in a classification of benign for this disease.

NM_031220.4(PITPNM3):c.*3723G>A

Gene: PITPNM3 (PITPNM family member 3; minus strand). Cytogenetic location: 17p13.2.
Variant type: single nucleotide variant.
Coding change: c.*3723G>A on transcript NM_031220.4 (MANE Select); 3723 bases downstream of the stop codon, G replaced by A.
Molecular consequence: 3 prime UTR variant.
Genome position (GRCh38, 1-based): chr17:6,451,615, C>T on the plus strand (G>A on the coding strand, the complement: PITPNM3 is on the minus strand). VCF-style: chr17-6451615-C-T. GRCh37 (hg19) VCF-style: chr17-6354935-C-T.
Other names: c.*3723G>A (NM_001165966.2).
Identifiers: ClinVar variation 890893 (VCV000890893.4), dbSNP rs371539500, ClinGen allele CA287339288.